The following is an entry in ClinVar:

NM_000091.5(COL4A3):c.2215G>A (p.Gly739Arg)

Genes: COL4A3 (collagen type IV alpha 3 chain; plus strand), MFF-DT (MFF divergent transcript; minus strand). Cytogenetic location: 2q36.3.
Variant type: single nucleotide variant.
Coding change: c.2215G>A on transcript NM_000091.5 (MANE Select); coding-DNA position 2215, G replaced by A.
Protein change: p.Gly739Arg; replaces glycine 739 with arginine.
Molecular consequence: missense variant.
Genome position (GRCh38, 1-based): chr2:227,279,882, G>A. VCF-style: chr2-227279882-G-A. GRCh37 (hg19) VCF-style: chr2-228144598-G-A.
Other names: short protein forms G739R.
Identifiers: ClinVar variation 371670 (VCV000371670.14), dbSNP rs375040636, ClinGen allele CA16040867.
Genomic context (GRCh38, chr2:227,279,882, plus strand): 5'-TCACTGGGTTGTCCTGGAAAAATGGGAGAGCCTGGGTTACCTGGAAAGCCAGGCCTCCCA[G>A]GAGCCAAGGTATGCAAAAATTCAAGCTATCACAGAAGAGAGGGTGGGTGACCATTAACTG-3'
Protein context (NP_000082.2, residues 729-749): PGLPGKPGLP[Gly739Arg]AKGEPAVAMP

ClinVar aggregate classification (germline): Likely pathogenic. Review status: criteria provided, multiple submitters, no conflicts (2 of 4 stars). 7 submissions from 7 submitters: Likely pathogenic (6). 1 of the submissions does not count toward it. Last evaluated 2025-10-01.

Conditions:
Autosomal recessive Alport syndrome (ATS2). Also called: COL4A4 Alport Syndrome and Thin Basement Membrane Nephropathy; Alport syndrome type 2; ALPORT SYNDROME 2, AUTOSOMAL RECESSIVE; COL4A3-Related Nephropathy. Identifiers: Orphanet 63, Orphanet 88919, MedGen C4746745, MONDO:0008762, OMIM 203780.
Alport syndrome. Also called: Hemorrhagic familial nephritis; Hemorrhagic hereditary nephritis; Congenital hereditary hematuria. Identifiers: Orphanet 63, MedGen C1567741, MONDO:0018965.
COL4A3-related disorder. Also called: COL4A3-related condition; COL4A3-Related Disorders.
Alport syndrome 3b, autosomal recessive. Identifiers: MedGen C5882699, MONDO:0957811, OMIM 620536.
Benign familial hematuria. Also called: thin basement membrane disease. Identifiers: MedGen C0241908, MONDO:0957317.
Autosomal dominant Alport syndrome (ATS3A). Also called: ALPORT SYNDROME 3A, AUTOSOMAL DOMINANT; Alport syndrome dominant type; Renal failure and sensorineural hearing loss. Identifiers: Orphanet 63, Orphanet 88918, MedGen C5882663, MONDO:0007086, OMIM 104200.

Allele frequency attached by ClinVar (database versions not stated): TOPMed 0.00001; ESP Exome Variant Server 0.00008.

Submissions (7):

Variantyx, Inc.
Classification: Likely pathogenic for Alport syndrome 3b, autosomal recessive. Last evaluated: 2025-10-01. Review status: criteria provided, single submitter. Criteria: Variantyx Assertion Criteria 2022. Collection method: clinical testing. Allele origin: germline. Inheritance: Autosomal recessive inheritance. Affected: yes.
Comment: This is a nonsynonymous variant in the COL4A3 gene (OMIM: 120070). Pathogenic variants in this gene have been associated with autosomal recessive Alport syndrome. This variant has been reported in the heterozygous state in an affected individual (PMID: 15954103). The alteration replaces a glycine residue in the repetitive Gly-X-Y sequence of the triple helical domain (amino acids 43-1438) of the COL4A3 protein, which is expected to disrupt the structure of fibrillar collagen and is a common disease mechanism in collagenopathies (PMID: 35177655, 33854215, 28098982, 15365990, 17078022, 19344236) (PM1_Strong), and multiple computational algorithms predict a deleterious effect for this variant (REVEL score: 0.968) (PP3). This variant is absent from control populations (PM2). Based on the current evidence, this variant is classified as likely pathogenic for autosomal recessive Alport syndrome.

Labcorp Genetics (formerly Invitae), Labcorp
Classification: Likely pathogenic. Last evaluated: 2025-03-19. Review status: criteria provided, single submitter. Criteria: Invitae Variant Classification Sherloc (09022015). Collection method: clinical testing. Allele origin: germline.
Comment: This sequence change replaces glycine, which is neutral and non-polar, with arginine, which is basic and polar, at codon 739 of the COL4A3 protein (p.Gly739Arg). This variant is not present in population databases (gnomAD no frequency). This missense change has been observed in individuals with clinical features of Alport syndrome (PMID: 15954103; internal data). ClinVar contains an entry for this variant (Variation ID: 371670). Invitae Evidence Modeling of protein sequence and biophysical properties (such as structural, functional, and spatial information, amino acid conservation, physicochemical variation, residue mobility, and thermodynamic stability) indicates that this missense variant is expected to disrupt COL4A3 protein function with a positive predictive value of 80%. In summary, the currently available evidence indicates that the variant is pathogenic, but additional data are needed to prove that conclusively. Therefore, this variant has been classified as Likely Pathogenic.

Natera, Inc.
Classification: Likely pathogenic for Alport syndrome. Last evaluated: 2024-08-20. Review status: criteria provided, single submitter. Criteria: Natera Variant Classification Schema (03/2026). Collection method: clinical testing. Allele origin: germline.
Comment: The c.2215G>A variant in COL4A3 is a missense variant predicted to cause substitution of glycine to arginine at amino acid 739. This variant is rare in the general population with a frequency below the threshold expected for the associated phenotype(s). This variant has been observed in affected individual(s) with monoallelic occurrence (heterozygous/hemizygous) (PMID: 36253919). This variant is located in a functionally critical region of the protein. Computational prediction algorithms indicate this variant is likely to affect gene or protein function. Given the available evidence, this variant is classified as Likely Pathogenic.

GeneDx
Classification: Likely pathogenic. Last evaluated: 2023-10-09. Review status: criteria provided, single submitter. Criteria: GeneDx Variant Classification Process June 2021. Collection method: clinical testing. Allele origin: germline. Affected: yes.
Comment: Reported in association with Alport syndrome in published literature, although specific clinical and segregation data were not provided (Nagel et al., 2005; El Ters et al., 2023); Affects a glycine residue in a Gly-X-Y motif in the triple helical region of the COL4A3 gene, where the majority of pathogenic missense variants occur, and is predicted to disrupt normal protein folding and function (HGMD; Jais et al., 2000); In silico analysis, which includes protein predictors and evolutionary conservation, supports a deleterious effect; Not observed in large population cohorts (gnomAD); This variant is associated with the following publications: (PMID: 36253919, 34746741, 15954103)

Fulgent Genetics
Classification: Likely pathogenic for Autosomal dominant Alport syndrome; Hematuria, benign familial, 1; Autosomal recessive Alport syndrome. Last evaluated: 2022-03-04. Review status: criteria provided, single submitter. Criteria: ACMG Guidelines, 2015. Collection method: clinical testing. Allele origin: unknown.

Blueprint Genetics
Classification: Likely pathogenic for COL4A3-related disorders. Last evaluated: 2022-01-14. Review status: criteria provided, single submitter. Criteria: ACMG Guidelines, 2015. Collection method: clinical testing. Allele origin: germline. Affected: yes. Observed: 2 variant alleles.

Counsyl
Classification: Likely pathogenic for Autosomal recessive Alport syndrome. Last evaluated: 2016-11-10. Review status: no assertion criteria provided. Collection method: clinical testing. Allele origin: unknown. Not counted in ClinVar's aggregate classification.

Literature cited by the submitters: PubMed 15954103 (cited by 3 submitters); PubMed 35177655 (cited by Variantyx, Inc.); PubMed 33854215 (cited by Variantyx, Inc.); PubMed 28098982 (cited by Variantyx, Inc.); PubMed 15365990 (cited by Variantyx, Inc.); PubMed 17078022 (cited by Variantyx, Inc.); PubMed 19344236 (cited by Variantyx, Inc.); PubMed 36253919 (cited by Natera, Inc.).